The following is an entry in ClinVar:

ClinVar aggregate classification (germline): Uncertain significance. Review status: criteria provided, multiple submitters, no conflicts (2 of 4 stars). 2 submissions from 2 submitters: Uncertain significance (2). Last evaluated 2024-06-01.

Conditions:
Inborn genetic diseases. Identifiers: MedGen C0950123, MeSH D030342.

Allele frequency attached by ClinVar (database versions not stated): gnomAD exomes below 0.00001.
gnomAD v4.1: 3 of 1,613,216 alleles (0.00019%); highest among the groups gnomAD compares: Non-Finnish European, 0.00025%; no homozygotes.

Submissions (2):

CeGaT Center for Human Genetics Tuebingen
Classification: Uncertain significance. Last evaluated: 2024-06-01. Review status: criteria provided, single submitter. Criteria: CeGaT Center For Human Genetics Tuebingen Variant Classification Criteria Version 2. Collection method: clinical testing. Allele origin: germline. Affected: yes. Observed: 1 variant allele.

Ambry Genetics
Classification: Uncertain significance for Inborn genetic diseases. Last evaluated: 2024-02-28. Review status: criteria provided, single submitter. Criteria: Ambry Variant Classification Scheme 2023. Collection method: clinical testing. Allele origin: germline.
Comment: The p.N1163Y variant (also known as c.3487A>T), located in coding exon 25 of the LRRK2 gene, results from an A to T substitution at nucleotide position 3487. The asparagine at codon 1163 is replaced by tyrosine, an amino acid with dissimilar properties. This amino acid position is conserved. In addition, this alteration is predicted to be deleterious by in silico analysis. Based on the available evidence, the clinical significance of this alteration remains unclear.

NM_198578.4(LRRK2):c.3487A>T (p.Asn1163Tyr)

Gene: LRRK2 (leucine rich repeat kinase 2; plus strand). Cytogenetic location: 12q12.
Variant type: single nucleotide variant.
Coding change: c.3487A>T on transcript NM_198578.4 (MANE Select); coding-DNA position 3487, A replaced by T.
Protein change: p.Asn1163Tyr; replaces asparagine 1163 with tyrosine.
Molecular consequence: missense variant.
Genome position (GRCh38, 1-based): chr12:40,299,248, A>T. VCF-style: chr12-40299248-A-T. GRCh37 (hg19) VCF-style: chr12-40693050-A-T.
Other names: short protein forms N1163Y.
Identifiers: ClinVar variation 3229615 (VCV003229615.19), dbSNP rs1226030072, ClinGen allele CA384416002.